The following is an entry in ClinVar:

NM_005141.5(FGB):c.996dup (p.Thr333fs)

Gene: FGB (fibrinogen beta chain; plus strand). Cytogenetic location: 4q31.3.
Variant type: Duplication.
Coding change: c.996dup on transcript NM_005141.5 (MANE Select); coding-DNA position 996, one base duplicated (T; older notation c.996dupT).
Protein change: p.Thr333fs; shifts the reading frame from threonine 333.
Molecular consequence: frameshift variant. On other transcripts: intron variant (1).
Genome position (GRCh38, 1-based): chr4:154,569,551, T duplicated; the last of 2 consecutive T bases (chr4:154,569,550-154,569,551); duplicating either gives the same sequence. VCF-style (leftmost placement, unchanged base first): chr4-154569549-C-CT. GRCh37 (hg19) VCF-style: chr4-155490701-C-CT.
Other names: c.996dupT (NM_005141.4); c.819dup, p.Thr274fs (NM_001184741.1); c.864dup, p.Thr289fs (NM_001382759.1); c.996dup, p.Thr333fs (NM_001382760.1, NM_001382761.1, NM_001382764.1 and 1 more transcripts); c.987dup, p.Thr330fs (NM_001382763.1); c.746-50dup (NM_001382762.1); short protein forms T274fs, T330fs, T333fs, T289fs.
Identifiers: ClinVar variation 4991210 (VCV004991210.1).

ClinVar aggregate classification (germline): Likely pathogenic (1 of 4 stars; one submission).

Conditions:
FGB-related disorder. Also called: FGB-related condition.

Submission:

PreventionGenetics, part of Exact Sciences
Classification: Likely pathogenic for FGB-related condition. Last evaluated: 2025-12-31. Review status: criteria provided, single submitter. Criteria: ACMG Guidelines, 2015. Collection method: clinical testing. Allele origin: germline.
Comment: The FGB c.996dupT variant is predicted to result in a frameshift and premature protein termination (p.Thr333Tyrfs*32). To our knowledge, this variant has not been reported in the literature or in a large population database (gnomAD), indicating this variant is rare. Frameshift variants in FGB are expected to be pathogenic. This variant is interpreted as likely pathogenic.